The following is an entry in ClinVar:

ClinVar aggregate classification (germline): Likely pathogenic. Review status: criteria provided, multiple submitters, no conflicts (2 of 4 stars). 2 submissions from 2 submitters: Likely pathogenic (2). Last evaluated 2025-07-16.

Conditions:
Primary familial dilated cardiomyopathy (FDC). Also called: Hypokinetic dilated cardiomyopathy, familial; Familial dilated cardiomyopathy. Identifiers: MONDO:0016333, Orphanet 217607, MedGen C0340427.
Dilated cardiomyopathy 1G (CMD1G). Identifiers: Orphanet 154, MedGen C1858763, MONDO:0011400, OMIM 604145.
Autosomal recessive limb-girdle muscular dystrophy type 2J (LGMDR10). Also called: Limb-girdle muscular dystrophy, type 2J; MUSCULAR DYSTROPHY, LIMB-GIRDLE, AUTOSOMAL RECESSIVE 10. Identifiers: Orphanet 140922, MedGen C1837342, MONDO:0012127, OMIM 608807.

Submissions (2):

Labcorp Genetics (formerly Invitae), Labcorp
Classification: Likely pathogenic for Dilated cardiomyopathy 1G; Autosomal recessive limb-girdle muscular dystrophy type 2J. Last evaluated: 2025-07-16. Review status: criteria provided, single submitter. Criteria: Invitae Variant Classification Sherloc (09022015). Collection method: clinical testing. Allele origin: germline.
Comment: This sequence change creates a premature translational stop signal (p.Glu15937Lysfs*29) in the TTN gene. While this is not anticipated to result in nonsense mediated decay, it is expected to create a truncated TTN protein. This variant is not present in population databases (gnomAD no frequency). This variant has not been reported in the literature in individuals affected with TTN-related conditions. ClinVar contains an entry for this variant (Variation ID: 2110929). Algorithms developed to predict the effect of sequence changes on RNA splicing suggest that this variant may disrupt the consensus splice site. This variant is located in the A band of TTN (PMID: 25589632). Truncating variants in this region are significantly overrepresented in patients affected with dilated cardiomyopathy (PMID: 25589632). Truncating variants in this region have also been reported in individuals affected with autosomal recessive centronuclear myopathy (PMID: 23975875). In summary, the currently available evidence indicates that the variant is pathogenic, but additional data are needed to prove that conclusively. Therefore, this variant has been classified as Likely Pathogenic.

Women's Health and Genetics/Laboratory Corporation of America, LabCorp
Classification: Likely pathogenic for Primary familial dilated cardiomyopathy. Last evaluated: 2025-02-10. Review status: criteria provided, single submitter. Criteria: LabCorp Variant Classification Summary - May 2015. Collection method: clinical testing. Allele origin: germline.
Comment: Variant summary: TTN c.40104delA (p.Glu13369LysfsX29) results in a premature termination codon, predicted to cause a truncation of the encoded protein or absence of the protein due to nonsense mediated decay, which are commonly known mechanisms for disease. Loss of function variants in all TTN bands are strongly associated with a spectrum of autosomal recessive titinopathies when exon expression (proportion spliced in, PSI, 1=complete expression) in skeletal muscle is >0.1 (PMID: 36977548, 39198997, 29598826, 32778822, 29691892, 33449170, 36977548, internal data). In contrast, loss of function variants in all TTN bands are only strongly associated with autosomal dominant TTN-related cardiomyopathies if located in exons constitutively expressed (PSI >0.9) in cardiac muscle, excluding extreme C-terminal exons 359-363 (PMID: 25589632, 31216868, 32964742, 34662387, 27869827, Shetty et al., Nat Cardiovasc Res 2024,, internal data). This variant has a maximum skeletal muscle PSI of 0.952 and a maximum cardiac muscle PSI of 1. The frequency data for this variant in gnomAD is considered unreliable, as metrics indicate poor data quality at this position. To our knowledge, no occurrence of c.40104delA in individuals affected with Dilated Cardiomyopathy and no experimental evidence demonstrating its impact on protein function have been reported. ClinVar contains an entry for this variant (Variation ID: 2110929). Based on the evidence outlined above, the variant was classified as likely pathogenic.

Literature cited by the submitters: PubMed 25589632 (cited by Labcorp Genetics (formerly Invitae), Labcorp); PubMed 23975875 (cited by Labcorp Genetics (formerly Invitae), Labcorp).

NM_001267550.2(TTN):c.47808del (p.Glu15937fs)

Genes: TTN-AS1 (TTN antisense RNA 1; plus strand), TTN (titin; minus strand). Cytogenetic location: 2q31.2.
Variant type: Deletion.
Coding change: c.47808del on transcript NM_001267550.2 (MANE Select); coding-DNA position 47808, one base deleted (A; older notation c.47808delA).
Protein change: p.Glu15937fs; shifts the reading frame from glutamic acid 15937.
Molecular consequence: frameshift variant.
Genome position (GRCh38, 1-based): chr2:178,617,187, T deleted on the plus strand (A on the coding strand, the reverse complement: TTN is on the minus strand). VCF-style (leftmost placement, unchanged base first): chr2-178617186-CT-C. GRCh37 (hg19) VCF-style: chr2-179481913-CT-C.
Other names: c.40104delA (NM_133378.4); c.42885del, p.Glu14296fs (NM_001256850.1); c.20613del, p.Glu6872fs (NM_003319.4); c.40104del, p.Glu13369fs (NM_133378.4); c.20988del, p.Glu6997fs (NM_133432.3); c.21189del, p.Glu7064fs (NM_133437.4); short protein forms E6997fs, E14296fs, E6872fs, E7064fs, E13369fs, E15937fs.
Identifiers: ClinVar variation 2110929 (VCV002110929.5), dbSNP rs2470837860, ClinGen allele CA2580065354.
Genomic context (GRCh38, chr2:178,617,186, plus strand): 5'-CATCGTCAGCGGTGAGAGGACCAAGAATTTCAGATGGATCTGAAACACCAGCTTTATTTT[CT>C]GCAGATACTCTATATAAATATTTATTTCCTTTTTCCAATCCGGTAACCTACGATTATGAA-3'